The following is an entry in ClinVar:

NM_004260.4(RECQL4):c.2040G>C (p.Met680Ile)

Gene: RECQL4 (RecQ like helicase 4; minus strand). Cytogenetic location: 8q24.3.
Variant type: single nucleotide variant.
Coding change: c.2040G>C on transcript NM_004260.4 (MANE Select); coding-DNA position 2040, G replaced by C.
Protein change: p.Met680Ile; replaces methionine 680 with isoleucine.
Molecular consequence: missense variant. On other transcripts: non-coding transcript variant (3).
Genome position (GRCh38, 1-based): chr8:144,513,946, C>G on the plus strand (G>C on the coding strand, the complement: RECQL4 is on the minus strand). VCF-style: chr8-144513946-C-G. GRCh37 (hg19) VCF-style: chr8-145739330-C-G.
Other names: c.903G>C, p.Met301Ile (NM_001413041.1, NM_001413027.1, NM_001413030.1 and 1 more transcripts); c.939G>C, p.Met313Ile (NM_001413042.1); c.573G>C, p.Met191Ile (NM_001413043.1); c.1944G>C, p.Met648Ile (NM_001413017.1, NM_001413020.1); c.2040G>C, p.Met680Ile (NM_001413018.1, NM_001413019.1, NM_001413036.1); c.969G>C, p.Met323Ile (NM_001413021.1, NM_001413022.1, NM_001413023.1 and 6 more transcripts); c.1911G>C, p.Met637Ile (NM_001413025.1); c.1689G>C, p.Met563Ile (NM_001413029.1); and 4 more; short protein forms M301I, M323I, M636I, M191I, M257I, M637I, M648I, M670I.
Identifiers: ClinVar variation 5028079 (VCV005028079.1).

ClinVar aggregate classification (germline): Uncertain significance (1 of 4 stars; one submission).

Conditions:
Inborn genetic diseases. Identifiers: MedGen C0950123, MeSH D030342.

gnomAD v4.1: 1 of 1,557,428 alleles (0.000064%); no homozygotes.

Submission:

Ambry Genetics
Classification: Uncertain significance for Inborn genetic diseases. Last evaluated: 2026-07-05. Review status: criteria provided, single submitter. Criteria: Ambry Variant Classification Scheme 2023. Collection method: clinical testing. Allele origin: germline.
Comment: The p.M680I variant (also known as c.2040G>C), located in coding exon 12 of the RECQL4 gene, results from a G to C substitution at nucleotide position 2040. The methionine at codon 680 is replaced by isoleucine, an amino acid with highly similar properties. This amino acid position is conserved. In addition, this alteration is predicted to be tolerated by in silico analysis. Based on the available evidence, the clinical significance of this variant remains unclear.